The following is an entry in ClinVar:

NM_001372.4(DNAH9):c.11793C>T (p.Asn3931=)

Gene: DNAH9 (dynein axonemal heavy chain 9; plus strand). Cytogenetic location: 17p12.
Variant type: single nucleotide variant.
Coding change: c.11793C>T on transcript NM_001372.4 (MANE Select); coding-DNA position 11793, C replaced by T.
Protein change: p.Asn3931=; no amino-acid change (asparagine 3931 retained).
Molecular consequence: synonymous variant.
Genome position (GRCh38, 1-based): chr17:11,923,857, C>T. VCF-style: chr17-11923857-C-T. GRCh37 (hg19) VCF-style: chr17-11827174-C-T.
Other names: c.729C>T, p.Asn243= (NM_004662.2).
Identifiers: ClinVar variation 1587041 (VCV001587041.14), dbSNP rs113001767, ClinGen allele CA8397954.

ClinVar aggregate classification (germline): Likely benign. Review status: criteria provided, multiple submitters, no conflicts (2 of 4 stars). 2 submissions from 2 submitters: Likely benign (2). Last evaluated 2026-01-05.

Allele frequency attached by ClinVar (database versions not stated): ExAC 0.00005; gnomAD exomes 0.00006 and 0.00014; gnomAD 0.00009 and 0.00010; TOPMed 0.00010; ESP Exome Variant Server 0.00031.
gnomAD v4.1: 240 of 1,613,936 alleles (0.015%); highest among the groups gnomAD compares: Non-Finnish European, 0.017%; no homozygotes.

Submissions (2):

Labcorp Genetics (formerly Invitae), Labcorp
Classification: Likely benign. Last evaluated: 2026-01-05. Review status: criteria provided, single submitter. Criteria: Invitae Variant Classification Sherloc (09022015). Collection method: clinical testing. Allele origin: germline.

CeGaT Center for Human Genetics Tuebingen
Classification: Likely benign. Last evaluated: 2025-11-01. Review status: criteria provided, single submitter. Criteria: CeGaT Center For Human Genetics Tuebingen Variant Classification Criteria Version 2. Collection method: clinical testing. Allele origin: germline. Affected: yes. Observed: 1 variant allele.
Comment: DNAH9: BP4, BP7